The following is an entry in ClinVar:

ClinVar aggregate classification (germline): Uncertain significance (1 of 4 stars; one submission).

Conditions:
Immunodeficiency. Identifiers: MedGen C0021051, MONDO:0021094, HP:0002721.

Submission:

Labcorp Genetics (formerly Invitae), Labcorp
Classification: Uncertain significance for Immunodeficiency. Last evaluated: 2024-02-17. Review status: criteria provided, single submitter. Criteria: Invitae Variant Classification Sherloc (09022015). Collection method: clinical testing. Allele origin: germline.
Comment: This sequence change replaces threonine, which is neutral and polar, with serine, which is neutral and polar, at codon 640 of the NFAT5 protein (p.Thr640Ser). This variant is present in population databases (no rsID available, gnomAD 0.007%). This variant has not been reported in the literature in individuals affected with NFAT5-related conditions. Algorithms developed to predict the effect of missense changes on protein structure and function output the following: SIFT: "Not Available"; PolyPhen-2: "Benign"; Align-GVGD: "Not Available". The serine amino acid residue is found in multiple mammalian species, which suggests that this missense change does not adversely affect protein function. In summary, the available evidence is currently insufficient to determine the role of this variant in disease. Therefore, it has been classified as a Variant of Uncertain Significance.

NM_138713.4(NFAT5):c.2201C>G (p.Thr734Ser)

Gene: NFAT5 (nuclear factor of activated T cells 5; plus strand). Cytogenetic location: 16q22.1.
Variant type: single nucleotide variant.
Coding change: c.2201C>G on transcript NM_138713.4 (MANE Select); coding-DNA position 2201, C replaced by G.
Protein change: p.Thr734Ser; replaces threonine 734 with serine.
Molecular consequence: missense variant.
Genome position (GRCh38, 1-based): chr16:69,692,026, C>G. VCF-style: chr16-69692026-C-G. GRCh37 (hg19) VCF-style: chr16-69725929-C-G.
Other names: c.2198C>G, p.Thr733Ser (NM_001113178.3); c.1526C>G, p.Thr509Ser (NM_001367709.1); c.2147C>G, p.Thr716Ser (NM_006599.4); c.1919C>G, p.Thr640Ser (NM_138714.4, NM_173214.3, NM_173215.3); short protein forms T733S, T734S, T716S, T509S, T640S.
Identifiers: ClinVar variation 3680802 (VCV003680802.2).